The following is an entry in ClinVar:

ClinVar aggregate classification (germline): Uncertain significance. Review status: criteria provided, multiple submitters, no conflicts (2 of 4 stars). 2 submissions from 2 submitters: Uncertain significance (2). Last evaluated 2023-08-09.

Conditions:
Hennekam lymphangiectasia-lymphedema syndrome 2 (HKLLS2). Identifiers: Orphanet 2136, MedGen C4014939, MONDO:0014454, OMIM 616006.

Allele frequency attached by ClinVar (database versions not stated): gnomAD exomes below 0.00001; TOPMed below 0.00001.
gnomAD v4.1: 4 of 1,614,124 alleles (0.00025%); highest among the groups gnomAD compares: Non-Finnish European, 0.00025%; no homozygotes.

Submissions (2):

Clinical Genomics Laboratory, Washington University in St. Louis
Classification: Uncertain significance for Hennekam lymphangiectasia-lymphedema syndrome 2. Last evaluated: 2023-08-09. Review status: criteria provided, single submitter. Criteria: ACMG Guidelines, 2015. Collection method: clinical testing. Allele origin: germline.
Comment: The FAT4 c.3808A>C (p.Ile1270Leu) variant, to our knowledge, has not been reported in the medical literature. This variant has been classified in the ClinVar database as a uncertain significance (ClinVar ID 2087017) by a single submitter. FAT4 c.3808A>C (p.Ile1270Leu) is absent from the general population (gnomAD v.2.1.1), indicating it is not a common variant. Computational predictors suggest that the variant does not impact FAT4 function. Due to limited information, and based on ACMG/AMP guidelines for variant interpretation (Richards S et al., PMID: 25741868), this variant is classified as being uncertain significance at this time.

Labcorp Genetics (formerly Invitae), Labcorp
Classification: Uncertain significance. Last evaluated: 2022-07-02. Review status: criteria provided, single submitter. Criteria: Invitae Variant Classification Sherloc (09022015). Collection method: clinical testing. Allele origin: germline.
Comment: This sequence change replaces isoleucine, which is neutral and non-polar, with leucine, which is neutral and non-polar, at codon 1270 of the FAT4 protein (p.Ile1270Leu). This variant is not present in population databases (gnomAD no frequency). This variant has not been reported in the literature in individuals affected with FAT4-related conditions. Advanced modeling of protein sequence and biophysical properties (such as structural, functional, and spatial information, amino acid conservation, physicochemical variation, residue mobility, and thermodynamic stability) performed at Invitae indicates that this missense variant is not expected to disrupt FAT4 protein function. In summary, the available evidence is currently insufficient to determine the role of this variant in disease. Therefore, it has been classified as a Variant of Uncertain Significance.

NM_001291303.3(FAT4):c.3808A>C (p.Ile1270Leu)

Gene: FAT4 (FAT atypical cadherin 4; plus strand). Cytogenetic location: 4q28.1.
Variant type: single nucleotide variant.
Coding change: c.3808A>C on transcript NM_001291303.3 (MANE Select); coding-DNA position 3808, A replaced by C.
Protein change: p.Ile1270Leu; replaces isoleucine 1270 with leucine.
Molecular consequence: missense variant.
Genome position (GRCh38, 1-based): chr4:125,320,219, A>C. VCF-style: chr4-125320219-A-C. GRCh37 (hg19) VCF-style: chr4-126241374-A-C.
Other names: c.3808A>C, p.Ile1270Leu (NM_001291285.3, NM_024582.6); short protein forms I1270L.
Identifiers: ClinVar variation 2087017 (VCV002087017.2), dbSNP rs921673665, ClinGen allele CA104866559.